The following is an entry in ClinVar:

ClinVar aggregate classification (germline): Uncertain significance. Review status: criteria provided, multiple submitters, no conflicts (2 of 4 stars). 2 submissions from 2 submitters: Uncertain significance (2). Last evaluated 2024-09-16.

Conditions:
GATA4-related disorder. Also called: GATA4-related condition. Identifiers: MedGen CN860321.
Atrioventricular septal defect 4 (AVSD4). Identifiers: MedGen C3280781, MONDO:0013747, OMIM 614430.

gnomAD v4.1: 1 of 1,535,610 alleles (0.000065%); highest among the groups gnomAD compares: Non-Finnish European, 0.000087%; no homozygotes.

Submissions (2):

Labcorp Genetics (formerly Invitae), Labcorp
Classification: Uncertain significance for Atrioventricular septal defect 4. Last evaluated: 2024-09-16. Review status: criteria provided, single submitter. Criteria: Invitae Variant Classification Sherloc (09022015). Collection method: clinical testing. Allele origin: germline.
Comment: This sequence change replaces proline, which is neutral and non-polar, with serine, which is neutral and polar, at codon 40 of the GATA4 protein (p.Pro40Ser). This variant is not present in population databases (gnomAD no frequency). This variant has not been reported in the literature in individuals affected with GATA4-related conditions. ClinVar contains an entry for this variant (Variation ID: 2632210). An algorithm developed to predict the effect of missense changes on protein structure and function (PolyPhen-2) suggests that this variant is likely to be disruptive. In summary, the available evidence is currently insufficient to determine the role of this variant in disease. Therefore, it has been classified as a Variant of Uncertain Significance.

PreventionGenetics, part of Exact Sciences
Classification: Uncertain significance for GATA4-related condition. Last evaluated: 2023-06-21. Review status: criteria provided, single submitter. Criteria: ACMG Guidelines, 2015. Collection method: clinical testing. Allele origin: germline.
Comment: The GATA4 c.118C>T variant is predicted to result in the amino acid substitution p.Pro40Ser. To our knowledge, this variant has not been reported in the literature or in a large population database, indicating this variant is rare. At this time, the clinical significance of this variant is uncertain due to the absence of conclusive functional and genetic evidence.

NM_001308093.3(GATA4):c.118C>T (p.Pro40Ser)

Gene: GATA4 (GATA binding protein 4). Cytogenetic location: 8p23.1.
Variant type: single nucleotide variant.
Coding change: c.118C>T on transcript NM_001308093.3 (MANE Select); coding-DNA position 118, C replaced by T.
Protein change: p.Pro40Ser; replaces proline 40 with serine.
Molecular consequence: missense variant. On other transcripts: intron variant (3).
Genome position (GRCh38, 1-based): chr8:11,708,430, C>T. VCF-style: chr8-11708430-C-T. GRCh37 (hg19) VCF-style: chr8-11565939-C-T.
Other names: c.118C>T, p.Pro40Ser (NM_002052.5); c.-6+7652C>T (NM_001308094.2); c.-3+416C>T (NM_001374274.1); c.-3+4126C>T (NM_001374273.1); short protein forms P40S.
Identifiers: ClinVar variation 2632210 (VCV002632210.3), dbSNP rs968942677, ClinGen allele CA172074542.